The following is an entry in ClinVar:

ClinVar aggregate classification (germline): Likely benign. Review status: criteria provided, multiple submitters, no conflicts (2 of 4 stars). 4 submissions from 4 submitters: Likely benign (3). 1 of the submissions does not count toward it. Last evaluated 2026-05-01.

Conditions:
L2HGDH-related disorder. Also called: L2HGDH-related condition.
L-2-hydroxyglutaric aciduria (L2HGA). Identifiers: Orphanet 79314, MedGen C1855995, MONDO:0009370, OMIM 236792, HP:0040144.

Allele frequency attached by ClinVar (database versions not stated): gnomAD exomes 0.00014 and 0.00015; 1000 Genomes Project 30x 0.00016; gnomAD 0.00017; ExAC 0.00018; TOPMed 0.00018; 1000 Genomes Project 0.00020.
gnomAD v4.1: 250 of 1,614,038 alleles (0.015%); highest among the groups gnomAD compares: Middle Eastern, 0.033%; no homozygotes.

Submissions (4):

CeGaT Center for Human Genetics Tuebingen
Classification: Likely benign. Last evaluated: 2026-05-01. Review status: criteria provided, single submitter. Criteria: CeGaT Center For Human Genetics Tuebingen Variant Classification Criteria Version 2. Collection method: clinical testing. Allele origin: germline. Affected: yes. Observed: 1 variant allele.
Comment: L2HGDH: BP4, BP7

Labcorp Genetics (formerly Invitae), Labcorp
Classification: Likely benign for L-2-hydroxyglutaric aciduria. Last evaluated: 2025-10-02. Review status: criteria provided, single submitter. Criteria: Invitae Variant Classification Sherloc (09022015). Collection method: clinical testing. Allele origin: germline.

Blueprint Genetics
Classification: Likely benign. Last evaluated: 2024-10-31. Review status: criteria provided, single submitter. Criteria: ACMG Guidelines, 2015. Collection method: clinical testing. Allele origin: germline.

PreventionGenetics, part of Exact Sciences
Classification: Likely benign for L2HGDH-related condition. Last evaluated: 2019-10-28. Review status: no assertion criteria provided. Collection method: clinical testing. Allele origin: germline. Not counted in ClinVar's aggregate classification.
Comment: This variant is classified as likely benign based on ACMG/AMP sequence variant interpretation guidelines (Richards et al. 2015 PMID: 25741868, with internal and published modifications).

NM_024884.3(L2HGDH):c.663T>C (p.Gly221=)

Gene: L2HGDH (L-2-hydroxyglutarate dehydrogenase; minus strand). Cytogenetic location: 14q21.3.
Variant type: single nucleotide variant.
Coding change: c.663T>C on transcript NM_024884.3 (MANE Select); coding-DNA position 663, T replaced by C.
Protein change: p.Gly221=; no amino-acid change (glycine 221 retained).
Molecular consequence: synonymous variant.
Genome position (GRCh38, 1-based): chr14:50,283,911, A>G on the plus strand (T>C on the coding strand, the complement: L2HGDH is on the minus strand). VCF-style: chr14-50283911-A-G. GRCh37 (hg19) VCF-style: chr14-50750629-A-G.
Identifiers: ClinVar variation 729930 (VCV000729930.15), dbSNP rs201951588, ClinGen allele CA7177946.